The following is an entry in ClinVar:

NM_001197104.2(KMT2A):c.11113T>A (p.Ser3705Thr)

Genes: KMT2A (lysine methyltransferase 2A; plus strand), TTC36-AS1 (TTC36 and KMT2A antisense RNA 1; minus strand). Cytogenetic location: 11q23.3.
Variant type: single nucleotide variant.
Coding change: c.11113T>A on transcript NM_001197104.2 (MANE Select); coding-DNA position 11113, T replaced by A.
Protein change: p.Ser3705Thr; replaces serine 3705 with threonine.
Molecular consequence: missense variant. On other transcripts: non-coding transcript variant (1).
Genome position (GRCh38, 1-based): chr11:118,511,992, T>A. VCF-style: chr11-118511992-T-A. GRCh37 (hg19) VCF-style: chr11-118382707-T-A.
Other names: c.11104T>A, p.Ser3702Thr (NM_005933.4); short protein forms S3702T, S3705T.
Identifiers: ClinVar variation 1600195 (VCV001600195.9), dbSNP rs184820566, ClinGen allele CA6304906.

ClinVar aggregate classification (germline): Conflicting classifications of pathogenicity. Review status: criteria provided, conflicting classifications (1 of 4 stars). 2 submissions from 2 submitters: Uncertain significance (1); Benign (1). Last evaluated 2025-11-28.

Allele frequency attached by ClinVar (database versions not stated): gnomAD 0.00001 and 0.00003; gnomAD exomes 0.00001 and 0.00007; TOPMed 0.00002; ExAC 0.00006; 1000 Genomes Project 30x 0.00016; 1000 Genomes Project 0.00020.
gnomAD v4.1: 23 of 1,614,172 alleles (0.0014%); highest among the groups gnomAD compares: East Asian, 0.049%; no homozygotes.

Submissions (2):

Labcorp Genetics (formerly Invitae), Labcorp
Classification: Benign. Last evaluated: 2025-11-28. Review status: criteria provided, single submitter. Criteria: Invitae Variant Classification Sherloc (09022015). Collection method: clinical testing. Allele origin: germline.

Women's Health and Genetics/Laboratory Corporation of America, LabCorp
Classification: Uncertain significance. Last evaluated: 2025-05-27. Review status: criteria provided, single submitter. Criteria: LabCorp Variant Classification Summary - May 2015. Collection method: clinical testing. Allele origin: germline.
Comment: Variant summary: KMT2A c.11113T>A (p.Ser3705Thr) results in a conservative amino acid change in the encoded protein sequence. Algorithms developed to predict the effect of missense changes on protein structure and function are either unavailable or do not agree on the potential impact of this missense change. The variant allele was found at a frequency of 7.2e-05 in 251460 control chromosomes. This frequency is not significantly higher than estimated for a pathogenic variant in KMT2A causing Wiedemann-Steiner Syndrome, allowing no conclusion about variant significance. To our knowledge, no occurrence of c.11113T>A in individuals affected with Wiedemann-Steiner Syndrome and no experimental evidence demonstrating its impact on protein function have been reported. ClinVar contains an entry for this variant (Variation ID: 1600195). Based on the evidence outlined above, the variant was classified as uncertain significance.